The following is an entry in ClinVar:

ClinVar aggregate classification (germline): Uncertain significance (1 of 4 stars; one submission).

Allele frequency attached by ClinVar (database versions not stated): gnomAD 0.00001; TOPMed 0.00001; ExAC 0.00002.
gnomAD v4.1: 32 of 1,611,884 alleles (0.002%); highest among the groups gnomAD compares: Non-Finnish European, 0.0026%; no homozygotes.

Submission:

Labcorp Genetics (formerly Invitae), Labcorp
Classification: Uncertain significance. Last evaluated: 2023-01-12. Review status: criteria provided, single submitter. Criteria: Invitae Variant Classification Sherloc (09022015). Collection method: clinical testing. Allele origin: germline.
Comment: In summary, the available evidence is currently insufficient to determine the role of this variant in disease. Therefore, it has been classified as a Variant of Uncertain Significance. Advanced modeling of protein sequence and biophysical properties (such as structural, functional, and spatial information, amino acid conservation, physicochemical variation, residue mobility, and thermodynamic stability) performed at Invitae indicates that this missense variant is not expected to disrupt KAT6A protein function. This variant has not been reported in the literature in individuals affected with KAT6A-related conditions. This variant is present in population databases (rs747473360, gnomAD 0.005%). This sequence change replaces glutamic acid, which is acidic and polar, with glycine, which is neutral and non-polar, at codon 1269 of the KAT6A protein (p.Glu1269Gly).

NM_006766.5(KAT6A):c.3806A>G (p.Glu1269Gly)

Gene: KAT6A (lysine acetyltransferase 6A; minus strand). Cytogenetic location: 8p11.21.
Variant type: single nucleotide variant.
Coding change: c.3806A>G on transcript NM_006766.5 (MANE Select); coding-DNA position 3806, A replaced by G.
Protein change: p.Glu1269Gly; replaces glutamic acid 1269 with glycine.
Molecular consequence: missense variant.
Genome position (GRCh38, 1-based): chr8:41,934,414, T>C on the plus strand (A>G on the coding strand, the complement: KAT6A is on the minus strand). VCF-style: chr8-41934414-T-C. GRCh37 (hg19) VCF-style: chr8-41791932-T-C.
Other names: short protein forms E1269G.
Identifiers: ClinVar variation 2984264 (VCV002984264.1), dbSNP rs747473360, ClinGen allele CA4729604.